The following is an entry in ClinVar:

ClinVar aggregate classification (germline): Uncertain significance (1 of 4 stars; one submission).

Submission:

Ambry Genetics
Classification: Uncertain significance. Last evaluated: 2023-02-03. Review status: criteria provided, single submitter. Criteria: Ambry Variant Classification Scheme 2023. Collection method: clinical testing. Allele origin: germline.
Comment: The p.M804I variant (also known as c.2412G>A), located in coding exon 4 of the ALPK2 gene, results from a G to A substitution at nucleotide position 2412. The methionine at codon 804 is replaced by isoleucine, an amino acid with highly similar properties. This amino acid position is conserved. In addition, this alteration is predicted to be tolerated by in silico analysis. Since supporting evidence is limited at this time, the clinical significance of this alteration remains unclear.

NM_052947.4(ALPK2):c.2412G>A (p.Met804Ile)

Gene: ALPK2 (alpha kinase 2; minus strand). Cytogenetic location: 18q21.31.
Variant type: single nucleotide variant.
Coding change: c.2412G>A on transcript NM_052947.4 (MANE Select); coding-DNA position 2412, G replaced by A.
Protein change: p.Met804Ile; replaces methionine 804 with isoleucine.
Molecular consequence: missense variant.
Genome position (GRCh38, 1-based): chr18:58,537,775, C>T on the plus strand (G>A on the coding strand, the complement: ALPK2 is on the minus strand). VCF-style: chr18-58537775-C-T. GRCh37 (hg19) VCF-style: chr18-56205007-C-T.
Other names: short protein forms M804I.
Identifiers: ClinVar variation 2449274 (VCV002449274.2), dbSNP rs2518877711, ClinGen allele CA402570757.